The following is an entry in ClinVar:

NM_177438.3(DICER1):c.3743A>T (p.Asn1248Ile)

Gene: DICER1 (dicer 1, ribonuclease III; minus strand). Cytogenetic location: 14q32.13.
Variant type: single nucleotide variant.
Coding change: c.3743A>T on transcript NM_177438.3 (MANE Select); coding-DNA position 3743, A replaced by T.
Protein change: p.Asn1248Ile; replaces asparagine 1248 with isoleucine.
Molecular consequence: missense variant. On other transcripts: non-coding transcript variant (6).
Genome position (GRCh38, 1-based): chr14:95,103,653, T>A on the plus strand (A>T on the coding strand, the complement: DICER1 is on the minus strand). VCF-style: chr14-95103653-T-A. GRCh37 (hg19) VCF-style: chr14-95569990-T-A.
Other names: c.3743A>T, p.Asn1248Ile (NM_001195573.1, NM_001271282.3, NM_001395695.1 and 13 more transcripts); c.3338A>T, p.Asn1113Ile (NM_001395696.1, NM_001395687.1, NM_001395688.1 and 2 more transcripts); c.2060A>T, p.Asn687Ile (NM_001395697.1); c.3461A>T, p.Asn1154Ile (NM_001395686.1); c.3176A>T, p.Asn1059Ile (NM_001395691.1); short protein forms N1059I, N1113I, N687I, N1154I, N1248I.
Identifiers: ClinVar variation 2159122 (VCV002159122.5), dbSNP rs2542699380, ClinGen allele CA390874198.
Genomic context (GRCh38, chr14:95,103,653, plus strand): 5'-ATAGTGTCTGTCGTACCAGGCATTACGGCCATCACAGGACTTCCATCTGAGGTAGATTTG[T>A]TAGCATTTCCATCAAGGTATTTATTACTCAGGAGAGTACATTCATCGCTGGGCTGGGGCT-3'
Protein context (NP_803187.1, residues 1238-1258): LSNKYLDGNA[Asn1248Ile]KSTSDGSPVM

ClinVar aggregate classification (germline): Uncertain significance. Review status: criteria provided, multiple submitters, no conflicts (2 of 4 stars). 2 submissions from 2 submitters: Uncertain significance (2). Last evaluated 2025-10-11.

Conditions:
DICER1-related tumor predisposition. Also called: DICER1-related pleuropulmonary blastoma cancer predisposition syndrome; DICER1 syndrome. Identifiers: Orphanet 284343, MedGen C3839822, MONDO:0100216.
Hereditary cancer-predisposing syndrome. Also called: Neoplastic Syndromes, Hereditary; Hereditary Cancer Syndrome; Hereditary neoplastic syndrome; Tumor predisposition. Identifiers: Orphanet 140162, MedGen C0027672, MeSH D009386, MONDO:0015356.

Submissions (2):

Ambry Genetics
Classification: Uncertain significance for Hereditary cancer-predisposing syndrome. Last evaluated: 2025-10-11. Review status: criteria provided, single submitter. Criteria: Ambry Variant Classification Scheme 2023. Collection method: clinical testing. Allele origin: germline.
Comment: The p.N1248I variant (also known as c.3743A>T), located in coding exon 20 of the DICER1 gene, results from an A to T substitution at nucleotide position 3743. The asparagine at codon 1248 is replaced by isoleucine, an amino acid with dissimilar properties. This amino acid position is conserved. In addition, the in silico prediction for this alteration is inconclusive. Based on the available evidence, the clinical significance of this variant remains unclear.

Labcorp Genetics (formerly Invitae), Labcorp
Classification: Uncertain significance for DICER1-related tumor predisposition. Last evaluated: 2025-06-10. Review status: criteria provided, single submitter. Criteria: Invitae Variant Classification Sherloc (09022015). Collection method: clinical testing. Allele origin: germline.
Comment: This sequence change replaces asparagine, which is neutral and polar, with isoleucine, which is neutral and non-polar, at codon 1248 of the DICER1 protein (p.Asn1248Ile). This variant is not present in population databases (gnomAD no frequency). This variant has not been reported in the literature in individuals affected with DICER1-related conditions. ClinVar contains an entry for this variant (Variation ID: 2159122). Invitae Evidence Modeling of protein sequence and biophysical properties (such as structural, functional, and spatial information, amino acid conservation, physicochemical variation, residue mobility, and thermodynamic stability) indicates that this missense variant is not expected to disrupt DICER1 protein function with a negative predictive value of 95%. In summary, the available evidence is currently insufficient to determine the role of this variant in disease. Therefore, it has been classified as a Variant of Uncertain Significance.